The following is an entry in ClinVar:

Conditions:
Arteriohepatic dysplasia. Also called: Alagille Syndrome. Identifiers: Orphanet 52, MedGen C0085280, MeSH D016738, MONDO:0007318.

Submission:

Gilbert/Spinner Lab, Children's Hospital of Philadelphia
No classification provided (evidence only). Condition: Alagille syndrome. Review status: no classification provided. Collection method: research. Allele origin: not applicable. Functional consequence: functionally_abnormal.
ClinVar note: "not provided" was previously submitted as the classification for the variant. However, the classification appeared to be based only on an observation of functional data so it was converted to no classification on 2025-07-30.

NM_000214.3(JAG1):c.492C>A (p.Ser164Arg)

Gene: JAG1 (jagged canonical Notch ligand 1; minus strand). Cytogenetic location: 20p12.2.
Variant type: single nucleotide variant.
Coding change: c.492C>A on transcript NM_000214.3 (MANE Select); coding-DNA position 492, C replaced by A.
Protein change: p.Ser164Arg; replaces serine 164 with arginine.
Molecular consequence: missense variant.
Genome position (GRCh38, 1-based): chr20:10,658,670, G>T on the plus strand (C>A on the coding strand, the complement: JAG1 is on the minus strand). VCF-style: chr20-10658670-G-T. GRCh37 (hg19) VCF-style: chr20-10639318-G-T.
Other names: short protein forms S164R.
Identifiers: ClinVar variation 3573317 (VCV003573317.2).